The following is an entry in ClinVar:

NM_015404.4(WHRN):c.667C>T (p.Arg223Cys)

Gene: WHRN (whirlin; minus strand). Cytogenetic location: 9q32.
Variant type: single nucleotide variant.
Coding change: c.667C>T on transcript NM_015404.4 (MANE Select); coding-DNA position 667, C replaced by T.
Protein change: p.Arg223Cys; replaces arginine 223 with cysteine.
Molecular consequence: missense variant. On other transcripts: 5 prime UTR variant (1).
Genome position (GRCh38, 1-based): chr9:114,478,723, G>A on the plus strand (C>T on the coding strand, the complement: WHRN is on the minus strand). VCF-style: chr9-114478723-G-A. GRCh37 (hg19) VCF-style: chr9-117241003-G-A.
Other names: c.-483C>T (NM_001083885.3); c.667C>T, p.Arg223Cys (NM_001173425.2); short protein forms R223C.
Identifiers: ClinVar variation 45680 (VCV000045680.27), dbSNP rs76593842, ClinGen allele CA136926.
Genomic context (GRCh38, chr9:114,478,723, plus strand): 5'-TGCGGCCCTGCGGGTCCACCCAGGTGTAGATGTGGTTGGTGACGTAGCCCCCAGGGATGC[G>A]CCCTGCTGAGTACACAGACAGCACCAGCTTCTTGGAGCCCTTCAGAGCCTAGGGAGAGAG-3'
Protein context (NP_056219.3, residues 213-233): KLVLSVYSAG[Arg223Cys]IPGGYVTNHI

ClinVar aggregate classification (germline): Conflicting classifications of pathogenicity. Review status: criteria provided, conflicting classifications (1 of 4 stars). 7 submissions from 6 submitters: Uncertain significance (1); Benign (4); Likely benign (2). Last evaluated 2026-02-01.

Conditions:
Autosomal recessive nonsyndromic hearing loss 31. Also called: WHIRLER, MOUSE, HOMOLOG OF. Identifiers: Orphanet 90636, MedGen C1846839, MONDO:0011767, OMIM 607084.
Usher syndrome type 2D. Also called: USHER SYNDROME, TYPE IID. Identifiers: Orphanet 231178, Orphanet 886, MedGen C1568249, MONDO:0012662, OMIM 611383.

Allele frequency attached by ClinVar (database versions not stated): gnomAD exomes 0.00128; ExAC 0.00145; 1000 Genomes Project 0.00359; 1000 Genomes Project 30x 0.00359; ESP Exome Variant Server 0.00492; gnomAD 0.00578; TOPMed 0.00582.
gnomAD v4.1: 1,624 of 1,612,564 alleles (0.1%); highest among the groups gnomAD compares: African/African-American, 1.8%; 16 homozygotes.

Submissions (7):

Labcorp Genetics (formerly Invitae), Labcorp
Classification: Benign. Last evaluated: 2026-02-01. Review status: criteria provided, single submitter. Criteria: Invitae Variant Classification Sherloc (09022015). Collection method: clinical testing. Allele origin: germline.

Blueprint Genetics
Classification: Likely benign. Last evaluated: 2024-11-22. Review status: criteria provided, single submitter. Criteria: ACMG Guidelines, 2015. Collection method: clinical testing. Allele origin: germline.

GeneDx
Classification: Benign. Last evaluated: 2020-02-04. Review status: criteria provided, single submitter. Criteria: GeneDx Variant Classification Process June 2021. Collection method: clinical testing. Allele origin: germline. Affected: yes.

ARUP Laboratories, Molecular Genetics and Genomics, ARUP Laboratories
Classification: Benign. Last evaluated: 2018-09-14. Review status: criteria provided, single submitter. Criteria: ARUP Molecular Germline Variant Investigation Process. Collection method: clinical testing. Allele origin: germline.

Illumina Laboratory Services, Illumina
Classification: Likely benign for Usher syndrome type 2D. Last evaluated: 2018-01-12. Review status: criteria provided, single submitter. Criteria: ICSL Variant Classification Criteria 13 December 2019. Collection method: clinical testing. Allele origin: germline.
Comment: This variant was observed in the ICSL laboratory as part of a predisposition screen in an ostensibly healthy population. It had not been previously curated by ICSL or reported in the Human Gene Mutation Database (HGMD: prior to June 1st, 2018), and was therefore a candidate for classification through an automated scoring system. Utilizing variant allele frequency, disease prevalence and penetrance estimates, and inheritance mode, an automated score was calculated to assess if this variant is too frequent to cause the disease. Based on the score and internal cut-off values, a variant classified as likely benign is not then subjected to further curation. The score for this variant resulted in a classification of likely benign for this disease.

Illumina Laboratory Services, Illumina
Classification: Uncertain significance for Autosomal recessive nonsyndromic hearing loss 31. Last evaluated: 2018-01-12. Review status: criteria provided, single submitter. Criteria: ICSL Variant Classification Criteria 13 December 2019. Collection method: clinical testing. Allele origin: germline.

Laboratory for Molecular Medicine, Mass General Brigham Personalized Medicine
Classification: Benign. Last evaluated: 2012-05-07. Review status: criteria provided, single submitter. Criteria: LMM Criteria. Collection method: clinical testing. Allele origin: germline. Observed: 5 variant alleles.
Comment: Arg223Cys in Exon 02 of DFNB31: This variant is not expected to have clinical si gnificance because it has been identified in 1.7% (62/3738) of African American chromosomes from a broad population by the NHLBI Exome Sequencing Project (dbSNP rs76593842).